The following is an entry in ClinVar:

NM_014271.4(IL1RAPL1):c.620G>A (p.Arg207Lys)

Gene: IL1RAPL1 (interleukin 1 receptor accessory protein like 1; plus strand). Cytogenetic location: Xp21.2.
Variant type: single nucleotide variant.
Coding change: c.620G>A on transcript NM_014271.4 (MANE Select); coding-DNA position 620, G replaced by A.
Protein change: p.Arg207Lys; replaces arginine 207 with lysine.
Molecular consequence: missense variant.
Genome position (GRCh38, 1-based): chrX:29,399,225, G>A. VCF-style: chrX-29399225-G-A. GRCh37 (hg19) VCF-style: chrX-29417342-G-A.
Other names: short protein forms R207K.
Identifiers: ClinVar variation 2917001 (VCV002917001.3), dbSNP rs752422198, ClinGen allele CA10375441.

ClinVar aggregate classification (germline): Uncertain significance (1 of 4 stars; one submission).

Allele frequency attached by ClinVar (database versions not stated): gnomAD exomes below 0.00001; gnomAD 0.00003; ExAC 0.00005; 1000 Genomes Project 30x 0.00042; 1000 Genomes Project 0.00053.
gnomAD v4.1: 5 of 1,195,520 alleles (0.00042%); highest among the groups gnomAD compares: East Asian, 0.015%; no homozygotes.

Submission:

Labcorp Genetics (formerly Invitae), Labcorp
Classification: Uncertain significance. Last evaluated: 2022-11-01. Review status: criteria provided, single submitter. Criteria: Invitae Variant Classification Sherloc (09022015). Collection method: clinical testing. Allele origin: germline.
Comment: In summary, the available evidence is currently insufficient to determine the role of this variant in disease. Therefore, it has been classified as a Variant of Uncertain Significance. Algorithms developed to predict the effect of missense changes on protein structure and function output the following: SIFT: "Tolerated"; PolyPhen-2: "Benign"; Align-GVGD: "Class C0". The lysine amino acid residue is found in multiple mammalian species, which suggests that this missense change does not adversely affect protein function. This variant has not been reported in the literature in individuals affected with IL1RAPL1-related conditions. This variant is present in population databases (rs752422198, gnomAD 0.03%). This sequence change replaces arginine, which is basic and polar, with lysine, which is basic and polar, at codon 207 of the IL1RAPL1 protein (p.Arg207Lys).